The following is an entry in ClinVar:

NM_005530.3(IDH3A):c.532C>T (p.Arg178Cys)

Gene: IDH3A (isocitrate dehydrogenase (NAD(+)) 3 catalytic subunit alpha; plus strand). Cytogenetic location: 15q25.1.
Variant type: single nucleotide variant.
Coding change: c.532C>T on transcript NM_005530.3 (MANE Select); coding-DNA position 532, C replaced by T.
Protein change: p.Arg178Cys; replaces arginine 178 with cysteine.
Molecular consequence: missense variant.
Genome position (GRCh38, 1-based): chr15:78,162,288, C>T. VCF-style: chr15-78162288-C-T. GRCh37 (hg19) VCF-style: chr15-78454630-C-T.
Other names: short protein forms R178C.
Identifiers: ClinVar variation 3383362 (VCV003383362.2).
Genomic context (GRCh38, chr15:78,162,288, plus strand): 5'-TTGCAGATTGTTGATGGAGTCGTGCAGAGTATCAAGCTCATCACCGAGGGGGCGAGCAAG[C>T]GCATTGCTGAGTTTGCCTTTGAGTATGCCCGGAACAACCACCGGAGCAACGTCACGGCGG-3'
Protein context (NP_005521.1, residues 168-188): IKLITEGASK[Arg178Cys]IAEFAFEYAR

ClinVar aggregate classification (germline): Uncertain significance. Review status: criteria provided, multiple submitters, no conflicts (2 of 4 stars). 2 submissions from 2 submitters: Uncertain significance (2). Last evaluated 2024-11-14.

Conditions:
Retinitis pigmentosa 90. Identifiers: MedGen C5436588, MONDO:0033563, OMIM 619007.

gnomAD v4.1: 5 of 1,614,036 alleles (0.00031%); highest among the groups gnomAD compares: East Asian, 0.0022%; no homozygotes.

Submissions (2):

Diagnostics Services (NGS), CSIR - Centre For Cellular And Molecular Biology
Classification: Uncertain significance for Retinitis pigmentosa 90. Last evaluated: 2024-11-14. Review status: criteria provided, single submitter. Criteria: ACMG Guidelines, 2015. Collection method: clinical testing. Allele origin: germline. Affected: yes. Observed: 1 variant allele, 1 homozygote.
Comment: The c.532C>T variant is not present in publicly available population databases like 1000 Genomes, EVS, ExAC, Indian Exome Database or our in-house exome database. The variant is present in gnomAD at low frequencies. This variant has neither been published in literature with IDH3A-related conditions nor reported to the clinical databases like ClinVar, Human Gene Mutation Database (HGMD) or OMIM, in any affected individuals. In-silico pathogenicity prediction programs like SIFT, Polyphen-2, MutationTaster2, CADD, etc predicted this variant to be likely deleterious, however these predictions were not confirmed by published functional studies.

Blueprint Genetics
Classification: Uncertain significance. Last evaluated: 2022-06-27. Review status: criteria provided, single submitter. Criteria: ACMG Guidelines, 2015. Collection method: clinical testing. Allele origin: germline.